The following is an entry in ClinVar:

NM_014714.4(IFT140):c.175G>A (p.Glu59Lys)

Genes: IFT140 (intraflagellar transport 140; minus strand), LOC105371046 (uncharacterized LOC105371046; plus strand). Cytogenetic location: 16p13.3.
Variant type: single nucleotide variant.
Coding change: c.175G>A on transcript NM_014714.4 (MANE Select); coding-DNA position 175, G replaced by A.
Protein change: p.Glu59Lys; replaces glutamic acid 59 with lysine.
Molecular consequence: missense variant.
Genome position (GRCh38, 1-based): chr16:1,602,564, C>T on the plus strand (G>A on the coding strand, the complement: IFT140 is on the minus strand). VCF-style: chr16-1602564-C-T. GRCh37 (hg19) VCF-style: chr16-1652565-C-T.
Other names: c.175G>A (NM_014714.3); short protein forms E59K.
Identifiers: ClinVar variation 2165071 (VCV002165071.3), dbSNP rs745332982, ClinGen allele CA7814791.

ClinVar aggregate classification (germline): Uncertain significance. Review status: criteria provided, multiple submitters, no conflicts (2 of 4 stars). 2 submissions from 2 submitters: Uncertain significance (2). Last evaluated 2025-11-19.

Conditions:
Saldino-Mainzer syndrome (SRTD9). Also called: short-rib thoracic dysplasia 9 with or without polydactyly; CONORENAL SYNDROME; Renal dysplasia, retinal pigmentary dystrophy, cerebellar ataxia and skeletal dysplasia; SHORT-RIB THORACIC DYSPLASIA 9 WITHOUT POLYDACTYLY. Identifiers: Orphanet 140969, MedGen C1849437, MONDO:0009964, OMIM 266920.
Inborn genetic diseases. Identifiers: MedGen C0950123, MeSH D030342.

Allele frequency attached by ClinVar (database versions not stated): gnomAD exomes 0.00001; TOPMed 0.00001; ExAC 0.00002.
gnomAD v4.1: 13 of 1,613,366 alleles (0.00081%); highest among the groups gnomAD compares: Admixed American, 0.0033%; no homozygotes.

Submissions (2):

Ambry Genetics
Classification: Uncertain significance for Inborn genetic diseases. Last evaluated: 2025-11-19. Review status: criteria provided, single submitter. Criteria: Ambry Variant Classification Scheme 2023. Collection method: clinical testing. Allele origin: germline.

Labcorp Genetics (formerly Invitae), Labcorp
Classification: Uncertain significance for Saldino-Mainzer syndrome. Last evaluated: 2022-10-13. Review status: criteria provided, single submitter. Criteria: Invitae Variant Classification Sherloc (09022015). Collection method: clinical testing. Allele origin: germline.
Comment: This variant has not been reported in the literature in individuals affected with IFT140-related conditions. This variant is present in population databases (rs745332982, gnomAD 0.006%). This sequence change replaces glutamic acid, which is acidic and polar, with lysine, which is basic and polar, at codon 59 of the IFT140 protein (p.Glu59Lys). In summary, the available evidence is currently insufficient to determine the role of this variant in disease. Therefore, it has been classified as a Variant of Uncertain Significance. Advanced modeling of protein sequence and biophysical properties (such as structural, functional, and spatial information, amino acid conservation, physicochemical variation, residue mobility, and thermodynamic stability) performed at Invitae indicates that this missense variant is not expected to disrupt IFT140 protein function.